The following is an entry in ClinVar:

ClinVar aggregate classification (germline): Uncertain significance (1 of 4 stars; one submission).

Conditions:
Dilated cardiomyopathy 1G (CMD1G). Identifiers: Orphanet 154, MedGen C1858763, MONDO:0011400, OMIM 604145.
Autosomal recessive limb-girdle muscular dystrophy type 2J (LGMDR10). Also called: MUSCULAR DYSTROPHY, LIMB-GIRDLE, AUTOSOMAL RECESSIVE 10; Limb-girdle muscular dystrophy, type 2J. Identifiers: Orphanet 140922, MedGen C1837342, MONDO:0012127, OMIM 608807.

Allele frequency attached by ClinVar (database versions not stated): gnomAD exomes below 0.00001.
gnomAD v4.1: 2 of 1,614,004 alleles (0.00012%); highest among the groups gnomAD compares: Middle Eastern, 0.016%; no homozygotes.

Submission:

Labcorp Genetics (formerly Invitae), Labcorp
Classification: Uncertain significance for Dilated cardiomyopathy 1G; Autosomal recessive limb-girdle muscular dystrophy type 2J. Last evaluated: 2021-03-09. Review status: criteria provided, single submitter. Criteria: Invitae Variant Classification Sherloc (09022015). Collection method: clinical testing. Allele origin: germline.
Comment: Algorithms developed to predict the effect of missense changes on protein structure and function are unavailable for the TTN gene. This sequence change replaces glutamic acid with aspartic acid at codon 35000 of the TTN protein (p.Glu35000Asp). There is a small physicochemical difference between glutamic acid and aspartic acid. This variant is not present in population databases (ExAC no frequency). This variant has not been reported in the literature in individuals with TTN-related disease. This variant identified in the TTN gene is located in the M band of the resulting protein (PMID: 25589632). It is unclear how this variant impacts the function of this protein. In summary, the available evidence is currently insufficient to determine the role of this variant in disease. Therefore, it has been classified as a Variant of Uncertain Significance.

Literature cited by the submitters: PubMed 25589632.

NM_001267550.2(TTN):c.105000A>T (p.Glu35000Asp)

Genes: TTN-AS1 (TTN antisense RNA 1; plus strand), TTN (titin; minus strand). Cytogenetic location: 2q31.2.
Variant type: single nucleotide variant.
Coding change: c.105000A>T on transcript NM_001267550.2 (MANE Select); coding-DNA position 105000, A replaced by T.
Protein change: p.Glu35000Asp; replaces glutamic acid 35000 with aspartic acid.
Molecular consequence: missense variant.
Genome position (GRCh38, 1-based): chr2:178,531,615, T>A on the plus strand (A>T on the coding strand, the complement: TTN is on the minus strand). VCF-style: chr2-178531615-T-A. GRCh37 (hg19) VCF-style: chr2-179396342-T-A.
Other names: c.100077A>T, p.Glu33359Asp (NM_001256850.1); c.77805A>T, p.Glu25935Asp (NM_003319.4); c.97296A>T, p.Glu32432Asp (NM_133378.4); c.78180A>T, p.Glu26060Asp (NM_133432.3); c.78381A>T, p.Glu26127Asp (NM_133437.4); short protein forms E32432D, E26060D, E26127D, E35000D, E33359D, E25935D.
Identifiers: ClinVar variation 1374568 (VCV001374568.6), dbSNP rs866303280, ClinGen allele CA60954238.